The following is an entry in ClinVar:

ClinVar aggregate classification (germline): Conflicting classifications of pathogenicity. Review status: criteria provided, conflicting classifications (1 of 4 stars). 3 submissions from 3 submitters: Uncertain significance (2); Likely benign (1). Last evaluated 2024-05-20.

Conditions:
Inborn genetic diseases. Identifiers: MedGen C0950123, MeSH D030342.

Allele frequency attached by ClinVar (database versions not stated): TOPMed 0.00001; gnomAD 0.00002; gnomAD exomes 0.00007 and 0.00009; ExAC 0.00012.
gnomAD v4.1: 102 of 1,613,970 alleles (0.0063%); highest among the groups gnomAD compares: South Asian, 0.1%; 3 homozygotes.

Submissions (3):

Ambry Genetics
Classification: Uncertain significance for Inborn genetic diseases. Last evaluated: 2024-05-20. Review status: criteria provided, single submitter. Criteria: Ambry Variant Classification Scheme 2023. Collection method: clinical testing. Allele origin: germline.

Labcorp Genetics (formerly Invitae), Labcorp
Classification: Uncertain significance. Last evaluated: 2022-05-07. Review status: criteria provided, single submitter. Criteria: Invitae Variant Classification Sherloc (09022015). Collection method: clinical testing. Allele origin: germline.
Comment: This sequence change replaces aspartic acid, which is acidic and polar, with glycine, which is neutral and non-polar, at codon 718 of the OTOA protein (p.Asp718Gly). This variant is present in population databases (rs767518359, gnomAD 0.07%). This variant has not been reported in the literature in individuals affected with OTOA-related conditions. ClinVar contains an entry for this variant (Variation ID: 1120054). Algorithms developed to predict the effect of missense changes on protein structure and function output the following: SIFT: "Tolerated"; PolyPhen-2: "Benign"; Align-GVGD: "Class C0". The glycine amino acid residue is found in multiple mammalian species, which suggests that this missense change does not adversely affect protein function. In summary, the available evidence is currently insufficient to determine the role of this variant in disease. Therefore, it has been classified as a Variant of Uncertain Significance.

Laboratory for Molecular Medicine, Mass General Brigham Personalized Medicine
Classification: Likely benign. Last evaluated: 2020-08-17. Review status: criteria provided, single submitter. Criteria: LMM Criteria. Collection method: clinical testing. Allele origin: germline. Observed: 1 variant allele.
Comment: The p.Asp718Gly variant in OTOA is classified at likely benign because it has not been previously reported in individuals with hearing loss and has been identified in 0.075% (23/30612) of South Asian chromosomes by gnomAD. In addition, computational prediction tools and conservation analyses suggest that this variant may not impact the protein, though this information is not predictive enough to rule out pathogenicity. ACMG/AMP criteria applied: BS1_Supporting, BP4.

NM_144672.4(OTOA):c.2153A>G (p.Asp718Gly)

Gene: OTOA (otoancorin). Cytogenetic location: 16p12.2.
Variant type: single nucleotide variant.
Coding change: c.2153A>G on transcript NM_144672.4 (MANE Select); coding-DNA position 2153, A replaced by G.
Protein change: p.Asp718Gly; replaces aspartic acid 718 with glycine.
Molecular consequence: missense variant.
Genome position (GRCh38, 1-based): chr16:21,728,377, A>G. VCF-style: chr16-21728377-A-G. GRCh37 (hg19) VCF-style: chr16-21739698-A-G.
Other names: c.1916A>G, p.Asp639Gly (NM_001161683.2); c.1181A>G, p.Asp394Gly (NM_170664.3); c.2153A>G (NM_144672.3); short protein forms D394G, D639G, D718G.
Identifiers: ClinVar variation 1120054 (VCV001120054.8), dbSNP rs767518359, ClinGen allele CA7952903.
Genomic context (GRCh38, chr16:21,728,377, plus strand): 5'-ACAGGGGGATCTCCCCCAGGGCTTGGGCGACTGCTCTACACGGCCTCAGAGACTGCCCAG[A>G]CCTCAACCCTGAGCAAAAGGCTGCAGTGAGGCTCAAGCTCCTGGGACAGTATGGGTGAGG-3'
Protein context (NP_653273.3, residues 708-728): TALHGLRDCP[Asp718Gly]LNPEQKAAVR